The following is an entry in ClinVar:

NM_001127511.3(APC):c.14T>C (p.Leu5Pro)

Gene: APC (APC regulator of Wnt signaling pathway; plus strand). Cytogenetic location: 5q22.2.
Variant type: single nucleotide variant.
Coding change: c.14T>C on transcript NM_001127511.3; coding-DNA position 14, T replaced by C.
Protein change: p.Leu5Pro; replaces leucine 5 with proline.
Molecular consequence: missense variant. On other transcripts: 5 prime UTR variant (8), non-coding transcript variant (1), intron variant (5).
Genome position (GRCh38, 1-based): chr5:112,707,731, T>C. VCF-style: chr5-112707731-T-C. GRCh37 (hg19) VCF-style: chr5-112043428-T-C.
Other names: c.-170T>C (NM_001354895.2, NM_001407447.1, NM_001407452.1 and 3 more transcripts); c.14T>C, p.Leu5Pro (NM_001354897.2, NM_001354902.2, NM_001407446.1); c.-1205T>C (NM_001407470.1, NM_001407472.1); c.-19+82T>C (NM_001407448.1, NM_001407450.1, NM_001407457.1 and 1 more transcripts); c.-43+82T>C (NM_001407453.1); short protein forms L5P.
Identifiers: ClinVar variation 2849444 (VCV002849444.3), dbSNP rs1398906441, ClinGen allele CA360611590.

ClinVar aggregate classification (germline): Uncertain significance (1 of 4 stars; one submission).

Conditions:
Familial adenomatous polyposis 1 (FAP1). Also called: FAMILIAL ADENOMATOUS POLYPOSIS 1, ATTENUATED; POLYPOSIS, ADENOMATOUS INTESTINAL. Identifiers: MedGen C2713442, MONDO:0021056, OMIM 175100. Disease mechanism: loss of function.

Submission:

Labcorp Genetics (formerly Invitae), Labcorp
Classification: Uncertain significance for Familial adenomatous polyposis 1. Last evaluated: 2023-06-09. Review status: criteria provided, single submitter. Criteria: Invitae Variant Classification Sherloc (09022015). Collection method: clinical testing. Allele origin: germline.
Comment: This variant occurs in a non-coding region of the APC gene. It does not change the encoded amino acid sequence of the APC protein. This variant is present in population databases (no rsID available, gnomAD 0.002%). This variant has not been reported in the literature in individuals affected with APC-related conditions. Experimental studies and prediction algorithms are not available or were not evaluated, and the functional significance of this variant is currently unknown. In summary, the available evidence is currently insufficient to determine the role of this variant in disease. Therefore, it has been classified as a Variant of Uncertain Significance.